The following is an entry in ClinVar:

NM_022124.6(CDH23):c.9970G>A (p.Glu3324Lys)

Gene: CDH23 (cadherin related 23; plus strand). Cytogenetic location: 10q22.1.
Variant type: single nucleotide variant.
Coding change: c.9970G>A on transcript NM_022124.6 (MANE Select); coding-DNA position 9970, G replaced by A.
Protein change: p.Glu3324Lys; replaces glutamic acid 3324 with lysine.
Molecular consequence: missense variant.
Genome position (GRCh38, 1-based): chr10:71,815,183, G>A. VCF-style: chr10-71815183-G-A. GRCh37 (hg19) VCF-style: chr10-73574940-G-A.
Other names: c.3250G>A, p.Glu1084Lys (NM_001171933.1); c.3145G>A, p.Glu1049Lys (NM_001171934.1); c.661G>A, p.Glu221Lys (NM_001171935.1); c.556G>A, p.Glu186Lys (NM_001171936.1); short protein forms E1049K, E1084K, E186K, E221K, E3324K.
Identifiers: ClinVar variation 971364 (VCV000971364.9), dbSNP rs763119683, ClinGen allele CA5547229.

ClinVar aggregate classification (germline): Uncertain significance. Review status: criteria provided, multiple submitters, no conflicts (2 of 4 stars). 6 submissions from 6 submitters: Uncertain significance (5). 1 of the submissions does not count toward it. Last evaluated 2026-05-29.

Conditions:
Inborn genetic diseases. Identifiers: MedGen C0950123, MeSH D030342.
Usher syndrome type 1D (USH1D). Also called: USHER SYNDROME, TYPE ID. Identifiers: Orphanet 231169, Orphanet 886, MedGen C1832845, MONDO:0010984, OMIM 601067.
Autosomal recessive nonsyndromic hearing loss 12. Also called: DEAFNESS, AUTOSOMAL RECESSIVE 12. Identifiers: Orphanet 90636, MedGen C1832394, MONDO:0011067, OMIM 601386.
Pituitary adenoma 5, multiple types. Identifiers: MedGen C4539685, MONDO:0054601, OMIM 617540.
Usher syndrome type 1 (USH1). Also called: RETINITIS PIGMENTOSA AND CONGENITAL DEAFNESS. Identifiers: Orphanet 231169, Orphanet 886, MedGen C1568247, MONDO:0010168, OMIM 276900.

Allele frequency attached by ClinVar (database versions not stated): ExAC 0.00006; TOPMed 0.00003; gnomAD 0.00002.
gnomAD v4.1: 29 of 1,610,724 alleles (0.0018%); highest among the groups gnomAD compares: Admixed American, 0.0067%; no homozygotes.

Submissions (6):

GeneDx
Classification: Uncertain significance. Last evaluated: 2026-05-29. Review status: criteria provided, single submitter. Criteria: GeneDx Variant Classification Process June 2021. Collection method: clinical testing. Allele origin: germline.
Comment: In silico analysis suggests that this missense variant does not alter protein structure/function; Has not been previously published as pathogenic or benign to our knowledge

Ambry Genetics
Classification: Uncertain significance for Inborn genetic diseases. Last evaluated: 2024-09-08. Review status: criteria provided, single submitter. Criteria: Ambry Variant Classification Scheme 2023. Collection method: clinical testing. Allele origin: germline.

Labcorp Genetics (formerly Invitae), Labcorp
Classification: Uncertain significance. Last evaluated: 2022-08-23. Review status: criteria provided, single submitter. Criteria: Invitae Variant Classification Sherloc (09022015). Collection method: clinical testing. Allele origin: germline.
Comment: This sequence change replaces glutamic acid, which is acidic and polar, with lysine, which is basic and polar, at codon 3324 of the CDH23 protein (p.Glu3324Lys). This variant is present in population databases (rs763119683, gnomAD 0.009%). This variant has not been reported in the literature in individuals affected with CDH23-related conditions. ClinVar contains an entry for this variant (Variation ID: 971364). Algorithms developed to predict the effect of missense changes on protein structure and function are either unavailable or do not agree on the potential impact of this missense change (SIFT: "Deleterious"; PolyPhen-2: "Not Available"; Align-GVGD: "Class C0"). In summary, the available evidence is currently insufficient to determine the role of this variant in disease. Therefore, it has been classified as a Variant of Uncertain Significance.

Fulgent Genetics
Classification: Uncertain significance for Usher syndrome type 1D; Autosomal recessive nonsyndromic hearing loss 12; Pituitary adenoma 5, multiple types. Last evaluated: 2022-04-15. Review status: criteria provided, single submitter. Criteria: ACMG Guidelines, 2015. Collection method: clinical testing. Allele origin: unknown.

Baylor Genetics
Classification: Uncertain significance for Autosomal recessive nonsyndromic hearing loss 12. Last evaluated: 2018-12-18. Review status: criteria provided, single submitter. Criteria: ACMG Guidelines, 2015. Collection method: clinical testing. Allele origin: paternal. Affected: yes.
Comment: This variant was determined to be of uncertain significance according to ACMG Guidelines, 2015 [PMID:25741868].

Natera, Inc.
Classification: Uncertain significance for Usher syndrome type 1. Last evaluated: 2020-09-01. Review status: no assertion criteria provided. Collection method: clinical testing. Allele origin: germline. Not counted in ClinVar's aggregate classification.